The following is an entry in ClinVar:

ClinVar aggregate classification (germline): Pathogenic (1 of 4 stars; one submission).

Conditions:
Hypertrophic cardiomyopathy 26. Also called: Cardiomyopathy, familial hypertrophic, 26. Identifiers: Orphanet 75249, MedGen C4310749, MONDO:0014883, OMIM 617047.
Distal myopathy with posterior leg and anterior hand involvement. Also called: WILLIAMS DISTAL MYOPATHY. Identifiers: Orphanet 63273, MedGen C3279722, MONDO:0013550, OMIM 614065.
Myofibrillar myopathy 5. Also called: Filaminopathy (type); FILAMINOPATHY, AUTOSOMAL DOMINANT. Identifiers: Orphanet 171445, MedGen C1836050, MONDO:0012289, OMIM 609524.

Submission:

Labcorp Genetics (formerly Invitae), Labcorp
Classification: Pathogenic for Distal myopathy with posterior leg and anterior hand involvement; Myofibrillar myopathy 5; Hypertrophic cardiomyopathy 26. Last evaluated: 2025-01-28. Review status: criteria provided, single submitter. Criteria: Invitae Variant Classification Sherloc (09022015). Collection method: clinical testing. Allele origin: germline.
Comment: This sequence change creates a premature translational stop signal (p.Gly2321Alafs*30) in the FLNC gene. It is expected to result in an absent or disrupted protein product. Loss-of-function variants in FLNC are known to be pathogenic (PMID: 27908349). This variant is not present in population databases (gnomAD no frequency). This variant has not been reported in the literature in individuals affected with FLNC-related conditions. For these reasons, this variant has been classified as Pathogenic.

Literature cited by the submitters: PubMed 27908349.

NM_001458.5(FLNC):c.6962_6975del (p.Gly2321fs)

Genes: FLNC (filamin C; plus strand), FLNC-AS1 (FLNC antisense RNA 1; minus strand). Cytogenetic location: 7q32.1.
Variant type: Deletion.
Coding change: c.6962_6975del on transcript NM_001458.5 (MANE Select); coding-DNA positions 6962 to 6975, 14 bases deleted (GCACAGGGCTGGAG).
Protein change: p.Gly2321fs; shifts the reading frame from glycine 2321.
Molecular consequence: frameshift variant.
Genome position (GRCh38, 1-based): chr7:128,854,647-128,854,660, GCACAGGGCTGGAG deleted; deleting any 14 consecutive bases within chr7:128,854,643-128,854,660 gives the same sequence; the c. name uses the placement nearest the transcript's 3' end. VCF-style (leftmost placement, unchanged base first): chr7-128854642-CGGAGGCACAGGGCT-C. GRCh37 (hg19) VCF-style: chr7-128494696-CGGAGGCACAGGGCT-C.
Other names: c.6863_6876del, p.Gly2288fs (NM_001127487.2); short protein forms G2288fs, G2321fs.
Identifiers: ClinVar variation 3760452 (VCV003760452.2).